The following is an entry in ClinVar:

ClinVar aggregate classification (germline): Uncertain significance. Review status: criteria provided, multiple submitters, no conflicts (2 of 4 stars). 2 submissions from 2 submitters: Uncertain significance (2). Last evaluated 2025-03-16.

Conditions:
Hereditary cancer-predisposing syndrome. Also called: Tumor predisposition; Hereditary Cancer Syndrome; Neoplastic Syndromes, Hereditary; Hereditary neoplastic syndrome. Identifiers: Orphanet 140162, MedGen C0027672, MeSH D009386, MONDO:0015356.

gnomAD v4.1: 1 of 1,613,754 alleles (0.000062%); highest among the groups gnomAD compares: Non-Finnish European, 0.000085%; no homozygotes.

Submissions (2):

Labcorp Genetics (formerly Invitae), Labcorp
Classification: Uncertain significance for Hereditary cancer-predisposing syndrome. Last evaluated: 2025-03-16. Review status: criteria provided, single submitter. Criteria: Invitae Variant Classification Sherloc (09022015). Collection method: clinical testing. Allele origin: germline.
Comment: This sequence change replaces serine, which is neutral and polar, with arginine, which is basic and polar, at codon 287 of the RAD50 protein (p.Ser287Arg). This variant is not present in population databases (gnomAD no frequency). This variant has not been reported in the literature in individuals affected with RAD50-related conditions. ClinVar contains an entry for this variant (Variation ID: 822608). Invitae Evidence Modeling of protein sequence and biophysical properties (such as structural, functional, and spatial information, amino acid conservation, physicochemical variation, residue mobility, and thermodynamic stability) indicates that this missense variant is not expected to disrupt RAD50 protein function with a negative predictive value of 80%. In summary, the available evidence is currently insufficient to determine the role of this variant in disease. Therefore, it has been classified as a Variant of Uncertain Significance.

Ambry Genetics
Classification: Uncertain significance for Hereditary cancer-predisposing syndrome. Last evaluated: 2019-06-05. Review status: criteria provided, single submitter. Criteria: Ambry Variant Classification Scheme 2023. Collection method: clinical testing. Allele origin: germline.
Comment: The p.S287R variant (also known as c.861T>A), located in coding exon 6 of the RAD50 gene, results from a T to A substitution at nucleotide position 861. The serine at codon 287 is replaced by arginine, an amino acid with dissimilar properties. This amino acid position is not well conserved in available vertebrate species. In addition, this alteration is predicted to be tolerated by in silico analysis. Since supporting evidence is limited at this time, the clinical significance of this alteration remains unclear.

NM_005732.4(RAD50):c.861T>A (p.Ser287Arg)

Gene: RAD50 (RAD50 double strand break repair protein; plus strand). Cytogenetic location: 5q31.1.
Variant type: single nucleotide variant.
Coding change: c.861T>A on transcript NM_005732.4 (MANE Select); coding-DNA position 861, T replaced by A.
Protein change: p.Ser287Arg; replaces serine 287 with arginine.
Molecular consequence: missense variant.
Genome position (GRCh38, 1-based): chr5:132,587,666, T>A. VCF-style: chr5-132587666-T-A. GRCh37 (hg19) VCF-style: chr5-131923358-T-A.
Other names: short protein forms S287R.
Identifiers: ClinVar variation 822608 (VCV000822608.13), dbSNP rs1042907420, ClinGen allele CA360940495.